The following is an entry in ClinVar:

ClinVar aggregate classification (germline): Uncertain significance (1 of 4 stars; one submission).

Conditions:
Cardiovascular phenotype. Identifiers: MedGen CN230736.

Submission:

Ambry Genetics
Classification: Uncertain significance for Cardiovascular phenotype. Last evaluated: 2025-08-06. Review status: criteria provided, single submitter. Criteria: Ambry Variant Classification Scheme 2023. Collection method: clinical testing. Allele origin: germline.
Comment: The p.D3158N variant (also known as c.9472G>A), located in coding exon 2 of the ZNF469 gene, results from a G to A substitution at nucleotide position 9472. The aspartic acid at codon 3158 is replaced by asparagine, an amino acid with highly similar properties. This amino acid position is conserved. In addition, this alteration is predicted to be tolerated by in silico analysis. Based on the available evidence, the clinical significance of this variant remains unclear.

NM_001127464.1:c.9472G>A

Gene: ZNF469 (zinc finger protein 469; plus strand).
Variant type: single nucleotide variant.
Identifiers: ClinVar variation 4209202 (VCV004209202.1).